The following is an entry in ClinVar:

ClinVar aggregate classification (germline): Likely pathogenic (1 of 4 stars; one submission).

Submission:

Labcorp Genetics (formerly Invitae), Labcorp
Classification: Likely pathogenic. Last evaluated: 2025-01-23. Review status: criteria provided, single submitter. Criteria: Invitae Variant Classification Sherloc (09022015). Collection method: clinical testing. Allele origin: germline.
Comment: This variant results in the deletion of part of exon 6 (c.740_750+17del) of the TONSL gene. It is expected to disrupt RNA splicing. Variants that disrupt the donor or acceptor splice site typically lead to a loss of protein function (PMID: 16199547), and loss-of-function variants in TONSL are known to be pathogenic (PMID: 30773277). This variant is not present in population databases (gnomAD no frequency). This variant has not been reported in the literature in individuals affected with TONSL-related conditions. In summary, the currently available evidence indicates that the variant is pathogenic, but additional data are needed to prove that conclusively. Therefore, this variant has been classified as Likely Pathogenic.

Literature cited by the submitters: PubMed 16199547; PubMed 30773277.

NM_013432.5(TONSL):c.740_750+17del

Gene: TONSL (tonsoku like, DNA repair protein; minus strand). Cytogenetic location: 8q24.3.
Variant type: Deletion.
Coding change: c.740_750+17del on transcript NM_013432.5 (MANE Select); coding-DNA position 740 through 17 bases into the intron after coding-DNA position 750, 28 bases deleted (TTATTGCACAGGTACCCGCTGTGCGTGG).
Molecular consequence: splice donor variant.
Genome position (GRCh38, 1-based): chr8:144,442,224-144,442,251, CCACGCACAGCGGGTACCTGTGCAATAA deleted on the plus strand (TTATTGCACAGGTACCCGCTGTGCGTGG on the coding strand, the reverse complement: TONSL is on the minus strand); deleting any 28 consecutive bases within chr8:144,442,224-144,442,258 gives the same sequence; the c. name uses the placement nearest the transcript's 3' end. VCF-style (leftmost placement, unchanged base first): chr8-144442223-GCCACGCACAGCGGGTACCTGTGCAATAA-G. GRCh37 (hg19) VCF-style: chr8-145667606-GCCACGCACAGCGGGTACCTGTGCAATAA-G.
Identifiers: ClinVar variation 3683317 (VCV003683317.2).